The following is an entry in ClinVar:

NM_003743.5(NCOA1):c.3201+7G>A

Gene: NCOA1 (nuclear receptor coactivator 1; plus strand). Cytogenetic location: 2p23.3.
Variant type: single nucleotide variant.
Coding change: c.3201+7G>A on transcript NM_003743.5 (MANE Select); 7 bases into the intron after coding-DNA position 3201, G replaced by A.
Molecular consequence: intron variant.
Genome position (GRCh38, 1-based): chr2:24,729,822, G>A. VCF-style: chr2-24729822-G-A. GRCh37 (hg19) VCF-style: chr2-24952691-G-A.
Other names: c.3201+7G>A (NM_001362950.1, NM_147223.3, NM_001362955.1 and 3 more transcripts).
Identifiers: ClinVar variation 3358200 (VCV003358200.1).

ClinVar aggregate classification (germline): Likely benign (0 of 4 stars; one submission).

Conditions:
NCOA1-related disorder. Also called: NCOA1-related condition.

gnomAD v4.1: 13 of 1,605,654 alleles (0.00081%); highest among the groups gnomAD compares: East Asian, 0.0022%; no homozygotes.

Submission:

PreventionGenetics, part of Exact Sciences
Classification: Likely benign for NCOA1-related condition. Last evaluated: 2024-02-22. Review status: no assertion criteria provided. Collection method: clinical testing. Allele origin: germline.
Comment: This variant is classified as likely benign based on ACMG/AMP sequence variant interpretation guidelines (Richards et al. 2015 PMID: 25741868, with internal and published modifications).